The following is an entry in ClinVar:

NM_019892.6(INPP5E):c.829A>C (p.Ser277Arg)

Gene: INPP5E (inositol polyphosphate-5-phosphatase E; minus strand). Cytogenetic location: 9q34.3.
Variant type: single nucleotide variant.
Coding change: c.829A>C on transcript NM_019892.6 (MANE Select); coding-DNA position 829, A replaced by C.
Protein change: p.Ser277Arg; replaces serine 277 with arginine.
Molecular consequence: missense variant.
Genome position (GRCh38, 1-based): chr9:136,434,847, T>G on the plus strand (A>C on the coding strand, the complement: INPP5E is on the minus strand). VCF-style: chr9-136434847-T-G. GRCh37 (hg19) VCF-style: chr9-139329299-T-G.
Other names: c.829A>C, p.Ser277Arg (NM_001318502.2); short protein forms S277R.
Identifiers: ClinVar variation 4987555 (VCV004987555.1).

ClinVar aggregate classification (germline): Uncertain significance (1 of 4 stars; one submission).

Conditions:
INPP5E-related disorder. Also called: INPP5E-related condition.

Submission:

PreventionGenetics, part of Exact Sciences
Classification: Uncertain significance for INPP5E-related condition. Last evaluated: 2025-09-09. Review status: criteria provided, single submitter. Criteria: ACMG Guidelines, 2015. Collection method: clinical testing. Allele origin: germline.
Comment: The INPP5E c.829A>C variant is predicted to result in the amino acid substitution p.Ser277Arg. To our knowledge, this variant has not been reported in the literature or in a large population database (gnomAD), indicating this variant is rare. At this time, the clinical significance of this variant is uncertain due to the absence of conclusive functional and genetic evidence.